The following is an entry in ClinVar:

ClinVar aggregate classification (germline): Uncertain significance. Review status: criteria provided, multiple submitters, no conflicts (2 of 4 stars). 3 submissions from 3 submitters: Uncertain significance (3). Last evaluated 2025-06-13.

Conditions:
Neurofibromatosis, familial spinal (FSNF). Identifiers: Orphanet 636, MedGen C1834235, MONDO:0008078, OMIM 162210. Disease mechanism: loss of function.
Neurofibromatosis-Noonan syndrome (NFNS). Also called: NEUROFIBROMATOSIS WITH NOONAN PHENOTYPE. Identifiers: Orphanet 638, MedGen C2931482, MONDO:0011035, OMIM 601321. Disease mechanism: loss of function.
Juvenile myelomonocytic leukemia (JMML). Also called: LEUKEMIA, JUVENILE MYELOMONOCYTIC, SOMATIC. Identifiers: Orphanet 86834, MedGen C0349639, MONDO:0011908, OMIM 607785, HP:0012209.
Neurofibromatosis, type 1 (NF1). Also called: Neurofibromatosis, type I; VON RECKLINGHAUSEN DISEASE; NEUROFIBROMATOSIS, TYPE I, SOMATIC; Peripheral type neurofibromatosis. Identifiers: Orphanet 636, MedGen C0027831, MONDO:0018975, OMIM 162200. Disease mechanism: loss of function.
Café-au-lait macules with pulmonary stenosis (WTSN). Also called: PULMONIC STENOSIS WITH CAFE-AU-LAIT SPOTS. Identifiers: MedGen C0553586, MONDO:0008672, OMIM 193520.
Cardiovascular phenotype. Identifiers: MedGen CN230736.
Hereditary cancer-predisposing syndrome. Also called: Hereditary Cancer Syndrome; Hereditary neoplastic syndrome; Neoplastic Syndromes, Hereditary; Tumor predisposition. Identifiers: Orphanet 140162, MedGen C0027672, MeSH D009386, MONDO:0015356.

Submissions (3):

Ambry Genetics
Classification: Uncertain significance for Cardiovascular phenotype; Hereditary cancer-predisposing syndrome. Last evaluated: 2025-06-13. Review status: criteria provided, single submitter. Criteria: Ambry Variant Classification Scheme 2023. Collection method: clinical testing. Allele origin: germline.
Comment: The p.L2682P variant (also known as c.8045T>C), located in coding exon 54 of the NF1 gene, results from a T to C substitution at nucleotide position 8045. The leucine at codon 2682 is replaced by proline, an amino acid with similar properties. This amino acid position is conserved. In addition, this alteration is predicted to be deleterious by in silico analysis. Based on the available evidence, the clinical significance of this variant remains unclear.

Fulgent Genetics
Classification: Uncertain significance for Neurofibromatosis, type 1; Neurofibromatosis, familial spinal; Café-au-lait macules with pulmonary stenosis; Neurofibromatosis-Noonan syndrome; Juvenile myelomonocytic leukemia. Last evaluated: 2024-04-30. Review status: criteria provided, single submitter. Criteria: ACMG Guidelines, 2015. Collection method: clinical testing. Allele origin: germline.

Labcorp Genetics (formerly Invitae), Labcorp
Classification: Uncertain significance for Neurofibromatosis, type 1. Last evaluated: 2022-11-23. Review status: criteria provided, single submitter. Criteria: Invitae Variant Classification Sherloc (09022015). Collection method: clinical testing. Allele origin: germline.
Comment: This sequence change replaces leucine, which is neutral and non-polar, with proline, which is neutral and non-polar, at codon 2682 of the NF1 protein (p.Leu2682Pro). In summary, the available evidence is currently insufficient to determine the role of this variant in disease. Therefore, it has been classified as a Variant of Uncertain Significance. Advanced modeling of protein sequence and biophysical properties (such as structural, functional, and spatial information, amino acid conservation, physicochemical variation, residue mobility, and thermodynamic stability) performed at Invitae indicates that this missense variant is expected to disrupt NF1 protein function. This variant has not been reported in the literature in individuals affected with NF1-related conditions. This variant is not present in population databases (gnomAD no frequency).

NM_001042492.3(NF1):c.8108T>C (p.Leu2703Pro)

Gene: NF1 (neurofibromin 1; plus strand). Cytogenetic location: 17q11.2.
Variant type: single nucleotide variant.
Coding change: c.8108T>C on transcript NM_001042492.3 (MANE Select); coding-DNA position 8108, T replaced by C.
Protein change: p.Leu2703Pro; replaces leucine 2703 with proline.
Molecular consequence: missense variant.
Genome position (GRCh38, 1-based): chr17:31,358,617, T>C. VCF-style: chr17-31358617-T-C. GRCh37 (hg19) VCF-style: chr17-29685635-T-C.
Other names: c.8045T>C, p.Leu2682Pro (NM_000267.4); short protein forms L2682P, L2703P.
Identifiers: ClinVar variation 1721801 (VCV001721801.7), dbSNP rs2508835744, ClinGen allele CA399204006.